The following is an entry in ClinVar:

NM_000552.5(VWF):c.6187C>T (p.Pro2063Ser)

Gene: VWF (von Willebrand factor; minus strand). Cytogenetic location: 12p13.31.
Variant type: single nucleotide variant.
Coding change: c.6187C>T on transcript NM_000552.5 (MANE Select); coding-DNA position 6187, C replaced by T.
Protein change: p.Pro2063Ser; replaces proline 2063 with serine.
Molecular consequence: missense variant.
Genome position (GRCh38, 1-based): chr12:5,994,484, G>A on the plus strand (C>T on the coding strand, the complement: VWF is on the minus strand). VCF-style: chr12-5994484-G-A. GRCh37 (hg19) VCF-style: chr12-6103650-G-A.
Other names: p.P2063S; NM_000552.5(VWF):c.6187C>T; c.6187C>T (NM_000552.4); short protein forms P2063S.
Identifiers: ClinVar variation 100436 (VCV000100436.48), dbSNP rs61750615, ClinGen allele CA202650.

ClinVar aggregate classification (germline): Likely benign. Review status: reviewed by expert panel (3 of 4 stars). 15 submissions from 13 submitters: Likely benign (1). 14 of the submissions do not count toward it. Last evaluated 2024-08-13.

Conditions:
von Willebrand disease type 1 (VWD1). Also called: VWD, TYPE 1; VON WILLEBRAND DISEASE, TYPE I. Identifiers: Orphanet 166078, Orphanet 903, MedGen C1264039, MONDO:0008668, OMIM 193400. Inheritance: autosomal recessive or autosomal dominant.
Hereditary von Willebrand disease. Identifiers: Orphanet 903, MedGen C5703318, MONDO:0019565. Inheritance: Autosomal recessive or Autosomal dominant.
von Willebrand disease type 2 (VWD2). Also called: VWD, TYPE 2; VON WILLEBRAND DISEASE, TYPE 2A/IIE; VON WILLEBRAND DISEASE, TYPE 2CB; VON WILLEBRAND DISEASE, TYPE II. Identifiers: Orphanet 166081, Orphanet 903, MedGen C1264040, MONDO:0013304, OMIM 613554.
von Willebrand disease type 3 (VWD3). Also called: Type 3 Von Willebrand's disease; Type 3 VWD; Von Willebrand disease, severe form; V WD3; VON WILLEBRAND DISEASE, TYPE III. Identifiers: Orphanet 166096, MedGen C1264041, MONDO:0010191, OMIM 277480.

Allele frequency attached by ClinVar (database versions not stated): gnomAD 0.00437; TOPMed 0.00666; ESP Exome Variant Server 0.00792; gnomAD exomes 0.01023 and 0.01264; 1000 Genomes Project 0.01118; 1000 Genomes Project 30x 0.01140; ExAC 0.01273.
gnomAD v4.1: 16,179 of 1,614,142 alleles (1%); highest among the groups gnomAD compares: South Asian, 4.8%; 208 homozygotes.

Submissions (15):

ClinGen von Willebrand Disease Variant Curation Expert Panel, ClinGen
Classification: Likely benign for Hereditary von Willebrand disease. Last evaluated: 2024-08-13. Review status: reviewed by expert panel. Criteria: ClinGen VWD 2A B M Rules. Collection method: curation. Allele origin: germline.
Comment: NM_000552.5(VWF):c.6187C>T is a missense variant that replaces proline with serine at position 2063. The Grpmax filtering allele frequency in gnomAD v4.1 is 0.04661 (based on 4353/91066 alleles in the South Asian population, with 145 homozygotes), which is higher than the ClinGen VWD VCEP BS1 threshold of >0.01 (BS1). At least 1 proband harboring the variant in the homozygous state exhibits a history of severe bleeding and a quantitative defect in VWF, consistent with VWD Type 3 (PMID: 23354996), however, it is not yet clear whether this phenotype is sufficiently specific to meet PP4. While this variant is also reported to be present in the homozygous state in multiple other affected probands (PMID: 23354996), PS4 cannot be considered because BS1 is met. The recombinant p.Pro2063Ser variant in COS-7 cells matches properties of the wild-type recombinant protein, including normal expression, secretion, and multimer formation, inconsistent with a quantitative defect relevant to VWD Type 3 (PMID: 19566550). BS3_Supporting is not met because this criterion is considered not applicable to this gene-disease relationship. This variant has been observed in affected cases with an alternate molecular basis for disease, including in VWD Type 3 in cis with either the NM_000552.5(VWF):c.970C>T (p.Arg324Ter) variant (PMID: 33550700) or the NM_000552.5(VWF):c.5200C>T (p.Gln1734Ter) variant (PMID: 23702511). Both comparison variants have been classified as Pathogenic by the ClinGen VWD VCEP. Three other reported cases with diverse VWD diagnoses harbor this variant as well as a second variant in VWF (PMID: 19404524, PMID: 21534937, PMID: 16985174), however, the comparison variants have not yet been classified by the ClinGen VWD VCEP. In summary, this variant meets the criteria to be classified as Likely Benign for hereditary von Willebrand disease based on the ACMG/AMP criteria applied, as specified by the ClinGen VWD VCEP: BS1, BP5, PP4. (VCEP Rule specifications for von Willebrand disease type 2A, 2B and 2M v1.0.0; date of approval 08/13/2024)

CeGaT Center for Human Genetics Tuebingen
Classification: Benign. Last evaluated: 2026-08-01. Review status: criteria provided, single submitter. Criteria: CeGaT Center For Human Genetics Tuebingen Variant Classification Criteria Version 2. Collection method: clinical testing. Allele origin: germline. Affected: yes. Observed: 12 variant alleles. Not counted in ClinVar's aggregate classification.
Comment: VWF: BS1, BS2

ARUP Laboratories, Molecular Genetics and Genomics, ARUP Laboratories
Classification: Benign. Last evaluated: 2025-07-28. Review status: criteria provided, single submitter. Criteria: ARUP Molecular Germline Variant Investigation Process 2024. Collection method: clinical testing. Allele origin: germline. Not counted in ClinVar's aggregate classification.

Mayo Clinic Laboratories, Mayo Clinic
Classification: Benign. Last evaluated: 2023-08-21. Review status: criteria provided, single submitter. Criteria: ACMG Guidelines, 2015. Collection method: clinical testing. Allele origin: germline. Observed: 13 variant alleles. Not counted in ClinVar's aggregate classification.
Comment: BS1, BS3, BP2

Quest Diagnostics Nichols Institute San Juan Capistrano
Classification: Benign. Last evaluated: 2022-08-24. Review status: criteria provided, single submitter. Criteria: Quest Diagnostics criteria. Collection method: clinical testing. Allele origin: unknown. Not counted in ClinVar's aggregate classification.

Genome-Nilou Lab
Classification: Benign for von Willebrand disease type 1. Last evaluated: 2021-12-05. Review status: criteria provided, single submitter. Criteria: ACMG Guidelines, 2015. Collection method: clinical testing. Allele origin: germline. Affected: no. Not counted in ClinVar's aggregate classification.

Genome-Nilou Lab
Classification: Benign for von Willebrand disease type 3. Last evaluated: 2021-12-05. Review status: criteria provided, single submitter. Criteria: ACMG Guidelines, 2015. Collection method: clinical testing. Allele origin: germline. Affected: no. Not counted in ClinVar's aggregate classification.

Genome-Nilou Lab
Classification: Benign for von Willebrand disease type 2. Last evaluated: 2021-12-05. Review status: criteria provided, single submitter. Criteria: ACMG Guidelines, 2015. Collection method: clinical testing. Allele origin: germline. Affected: no. Not counted in ClinVar's aggregate classification.

Laboratory of Hematology, Radboud University Medical Center
Classification: Likely benign for von Willebrand disease type 1. Last evaluated: 2020-12-10. Review status: criteria provided, single submitter. Criteria: ACMG Guidelines, 2015. Collection method: research. Allele origin: germline. Affected: yes. Observed: 1 variant allele. Study: WIN study. Not counted in ClinVar's aggregate classification.

Genetics and Molecular Pathology, SA Pathology
Classification: Uncertain significance for Hereditary von Willebrand disease. Last evaluated: 2019-11-29. Review status: criteria provided, single submitter. Criteria: ACMG Guidelines, 2015. Collection method: clinical testing. Allele origin: germline. Not counted in ClinVar's aggregate classification.

Laboratory for Molecular Medicine, Mass General Brigham Personalized Medicine
Classification: Benign. Last evaluated: 2016-03-28. Review status: criteria provided, single submitter. Criteria: LMM Criteria. Collection method: clinical testing. Allele origin: germline. Not counted in ClinVar's aggregate classification.
Comment: Variant identified in a genome or exome case(s) and assessed due to predicted null impact of the variant or pathogenic assertions in the literature or databases. Disclaimer: This variant has not undergone full assessment. The following are preliminary notes: MAF

Eurofins Ntd Llc (ga)
Classification: Likely benign. Last evaluated: 2014-11-17. Review status: criteria provided, single submitter. Criteria: EGL Classification Definitions 2015. Collection method: clinical testing. Allele origin: germline. Observed: 15 variant alleles, 15 heterozygotes. Not counted in ClinVar's aggregate classification.

Breakthrough Genomics
Classification: Likely benign. Review status: criteria provided, single submitter. Criteria: ACMG Guidelines, 2015. Collection method: not provided. Allele origin: germline. Inheritance: Autosomal recessive inheritance. Affected: yes. Not counted in ClinVar's aggregate classification.

PreventionGenetics, part of Exact Sciences
Classification: Likely benign. Review status: criteria provided, single submitter. Criteria: ACMG Guidelines, 2015. Collection method: clinical testing. Allele origin: germline. Not counted in ClinVar's aggregate classification.

Academic Unit of Haematology, University of Sheffield
No classification provided. Review status: no classification provided. Collection method: not provided. Allele origin: not provided. Not counted in ClinVar's aggregate classification.

Literature cited by the submitters: PubMed 16985174 (cited by Quest Diagnostics Nichols Institute San Juan Capistrano); PubMed 17190853 (cited by Quest Diagnostics Nichols Institute San Juan Capistrano); PubMed 19404524 (cited by Quest Diagnostics Nichols Institute San Juan Capistrano); PubMed 21534937 (cited by Quest Diagnostics Nichols Institute San Juan Capistrano); PubMed 19566550 (cited by Quest Diagnostics Nichols Institute San Juan Capistrano and Eurofins Ntd Llc (ga)); PubMed 22197721 (cited by Quest Diagnostics Nichols Institute San Juan Capistrano); PubMed 23354996 (cited by Quest Diagnostics Nichols Institute San Juan Capistrano and Eurofins Ntd Llc (ga)); PubMed 23702511 (cited by Quest Diagnostics Nichols Institute San Juan Capistrano); PubMed 23775583 (cited by Quest Diagnostics Nichols Institute San Juan Capistrano and Eurofins Ntd Llc (ga)); PubMed 33550700 (cited by Quest Diagnostics Nichols Institute San Juan Capistrano); PubMed 33556167 (cited by Quest Diagnostics Nichols Institute San Juan Capistrano).